The following is an entry in ClinVar:

ClinVar aggregate classification (germline): Pathogenic/Likely pathogenic. Review status: criteria provided, multiple submitters, no conflicts (2 of 4 stars). 11 submissions from 10 submitters: Pathogenic (9); Likely pathogenic (1). 1 of the submissions does not count toward it. Last evaluated 2025-12-21.

Conditions:
PEX1-related disorder. Also called: PEX1-related condition.
Zellweger spectrum disorders (ZS). Also called: Zellweger Spectrum Disorder; Zellweger Spectrum; Zellweger syndrome; Zellweger Spectrum Disorder (ZSD). Identifiers: Orphanet 912, MedGen C0043459, MONDO:0019609.
Peroxisome biogenesis disorder 1B (PBD1B). Also called: PEROXISOME BIOGENESIS DISORDER (NEONATAL ADRENOLEUKODYSTROPHY/INFANTILE REFSUM DISEASE); INFANTILE PHYTANIC ACID STORAGE DISEASE; PEROXISOME BIOGENESIS DISORDER (NALD/IRD); ADRENOLEUKODYSTROPHY, AUTOSOMAL NEONATAL; Refsum disease, infantile form; Infantile Refsum disease. Identifiers: Orphanet 44, MedGen C0282527, MONDO:0011101, OMIM 601539.
Heimler syndrome 1 (HMLR1). Also called: PEROXISOME BIOGENESIS DISORDER 1C. Identifiers: Orphanet 3220, MedGen C4551980, OMIM 234580, MONDO:0024544.
Peroxisome biogenesis disorder 1A (Zellweger) (PBD1A). Also called: Peroxisome biogenesis disorder 1a; Zellweger leukodystrophy. Identifiers: MedGen C4721541, MONDO:0008953, OMIM 214100.
Peroxisome biogenesis disorder. Identifiers: Orphanet 79189, MedGen C1832200, MONDO:0019234. Disease mechanism: loss of function.

Allele frequency attached by ClinVar (database versions not stated): ExAC 0.00001; gnomAD exomes 0.00002 and 0.00003; gnomAD 0.00005 and 0.00006; TOPMed 0.00008.
gnomAD v4.1: 51 of 1,613,770 alleles (0.0032%); highest among the groups gnomAD compares: South Asian, 0.0066%; no homozygotes.

Submissions (11):

Natera, Inc.
Classification: Pathogenic for Zellweger syndrome. Last evaluated: 2025-12-21. Review status: criteria provided, single submitter. Criteria: Natera Variant Classification Schema (03/2026). Collection method: clinical testing. Allele origin: germline.
Comment: The c.2383C>T variant in PEX1 is a nonsense variant predicted to introduce a stop codon at amino acid 795. This variant is expected to result in nonsense mediated decay, truncation, or a dysfunctional protein product. This variant is rare in the general population with a frequency below the threshold expected for the associated phenotype(s). This variant has been observed in one or more individuals affected with the associated recessive disease, as either homozygous or compound heterozygous with a second variant (PMID: 10447258). Given the available evidence, this variant is classified as Pathogenic.

Labcorp Genetics (formerly Invitae), Labcorp
Classification: Pathogenic for Zellweger spectrum disorders. Last evaluated: 2025-05-13. Review status: criteria provided, single submitter. Criteria: Invitae Variant Classification Sherloc (09022015). Collection method: clinical testing. Allele origin: germline.
Comment: This sequence change creates a premature translational stop signal (p.Arg795*) in the PEX1 gene. It is expected to result in an absent or disrupted protein product. Loss-of-function variants in PEX1 are known to be pathogenic (PMID: 21031596, 26387595, 31831025). This variant is present in population databases (rs61750418, gnomAD 0.004%). This premature translational stop signal has been observed in individuals with Zellweger syndrome (PMID: 10447258, 21846392). ClinVar contains an entry for this variant (Variation ID: 188873). Algorithms developed to predict the effect of sequence changes on RNA splicing suggest that this variant may disrupt the consensus splice site. For these reasons, this variant has been classified as Pathogenic.

Blueprint Genetics
Classification: Pathogenic for PEX1-related disorders. Last evaluated: 2024-04-26. Review status: criteria provided, single submitter. Criteria: ACMG Guidelines, 2015. Collection method: clinical testing. Allele origin: germline. Affected: yes. Observed: 5 variant alleles.

Genomic Medicine Center of Excellence, King Faisal Specialist Hospital and Research Centre
Classification: Pathogenic for Peroxisome biogenesis disorder 1A (Zellweger). Last evaluated: 2024-04-04. Review status: criteria provided, single submitter. Criteria: ACMG Guidelines, 2015. Collection method: clinical testing. Allele origin: germline.

Fulgent Genetics
Classification: Pathogenic for Peroxisome biogenesis disorder 1A (Zellweger); Heimler syndrome 1; Peroxisome biogenesis disorder 1B. Last evaluated: 2024-02-29. Review status: criteria provided, single submitter. Criteria: ACMG Guidelines, 2015. Collection method: clinical testing. Allele origin: germline.

Baylor Genetics
Classification: Pathogenic for Heimler syndrome 1. Last evaluated: 2024-01-24. Review status: criteria provided, single submitter. Criteria: ACMG Guidelines, 2015. Collection method: clinical testing. Allele origin: unknown.

Women's Health and Genetics/Laboratory Corporation of America, LabCorp
Classification: Pathogenic for Peroxisome biogenesis disorder. Last evaluated: 2022-05-05. Review status: criteria provided, single submitter. Criteria: LabCorp Variant Classification Summary - May 2015. Collection method: clinical testing. Allele origin: germline.
Comment: Variant summary: PEX1 c.2383C>T (p.Arg795X) results in a premature termination codon, predicted to cause a truncation of the encoded protein or absence of the protein due to nonsense mediated decay, which are commonly known mechanisms for disease. Truncations downstream of this position have been classified as pathogenic by our laboratory. The variant allele was found at a frequency of 1.6e-05 in 251216 control chromosomes (gnomAD). c.2383C>T has been reported in the literature in individuals affected with Zellweger Syndrome (Collins_1999, Rosewich_2005, Ebberink_2011, Thoms_2011, Wang_2021). These data indicate that the variant is likely to be associated with disease. To our knowledge, no experimental evidence demonstrating an impact on protein function has been reported. Two ClinVar submitters (evaluation after 2014) cite the variant as pathogenic/likely pathogenic. Based on the evidence outlined above, the variant was classified as pathogenic.

GeneDx
Classification: Likely pathogenic. Last evaluated: 2018-05-16. Review status: criteria provided, single submitter. Criteria: GeneDx Variant Classification (06012015). Collection method: clinical testing. Allele origin: germline. Affected: yes.
Comment: The R795X variant in the PEX1 gene has been reported previously, along with a second variant in PEX1, in an individual with Zellweger syndrome (Collins and Gould, 1999). R795X has also been reported in the heterozygous state in an additional unrelated individual with a Zellweger spectrum disorder, however, there was no mention of a second variant being identified (Ebberink et al., 2011). This variant is predicted to cause loss of normal protein function either through protein truncation or nonsense-mediated mRNA decay. The R795X variant is not observed at a significant frequency in large population cohorts (Lek et al., 2016). We interpret R795X as a likely pathogenic variant.

Eurofins Ntd Llc (ga)
Classification: Pathogenic. Last evaluated: 2014-10-02. Review status: criteria provided, single submitter. Criteria: EGL Classification Definitions 2015. Collection method: clinical testing. Allele origin: germline. Observed: 3 variant alleles, 3 heterozygotes.

Baylor Genetics
Classification: Pathogenic for Peroxisome biogenesis disorder 1A (Zellweger); Peroxisome biogenesis disorder 1B. Review status: criteria provided, single submitter. Criteria: ACMG Guidelines, 2015. Collection method: clinical testing. Allele origin: germline.

Counsyl
Classification: Likely pathogenic for Zellweger syndrome. Last evaluated: 2014-07-10. Review status: no assertion criteria provided. Collection method: literature only. Allele origin: unknown. Inheritance: Autosomal recessive inheritance. Not counted in ClinVar's aggregate classification.

Literature cited by the submitters: PubMed 10447258 (cited by 4 submitters); PubMed 21031596 (cited by 3 submitters); PubMed 26387595 (cited by Labcorp Genetics (formerly Invitae), Labcorp); PubMed 31831025 (cited by Labcorp Genetics (formerly Invitae), Labcorp); PubMed 21846392 (cited by 3 submitters); PubMed 16141001 (cited by Women's Health and Genetics/Laboratory Corporation of America, LabCorp and Counsyl); PubMed 34744965 (cited by Women's Health and Genetics/Laboratory Corporation of America, LabCorp); PubMed 16086329 (cited by Counsyl).

NM_000466.3(PEX1):c.2383C>T (p.Arg795Ter)

Gene: PEX1 (peroxisomal biogenesis factor 1; minus strand). Cytogenetic location: 7q21.2.
Variant type: single nucleotide variant.
Coding change: c.2383C>T on transcript NM_000466.3 (MANE Select); coding-DNA position 2383, C replaced by T.
Protein change: p.Arg795Ter; replaces arginine 795 with a stop codon.
Molecular consequence: nonsense.
Genome position (GRCh38, 1-based): chr7:92,501,923, G>A on the plus strand (C>T on the coding strand, the complement: PEX1 is on the minus strand). VCF-style: chr7-92501923-G-A. GRCh37 (hg19) VCF-style: chr7-92131237-G-A.
Other names: c.2212C>T, p.Arg738Ter (NM_001282677.2); c.1759C>T, p.Arg587Ter (NM_001282678.2); short protein forms R795*, R738*, R587*.
Identifiers: ClinVar variation 188873 (VCV000188873.24), dbSNP rs61750418, ClinGen allele CA274065.
Genomic context (GRCh38, chr7:92,501,923, plus strand): 5'-AGTTCAGGTTTTAATAGTAAAACATACTTTCTCTGGTGGATATACTCTGACGAGAGAGTC[G>A]AGAATGTATGGCTCGATCCACAAGTACTGTAAAATCTCTAGCCACAAACCCGCCAGTTTC-3'